The following is an entry in ClinVar:

ClinVar aggregate classification (germline): Uncertain significance (1 of 4 stars; one submission).

Conditions:
Marfan syndrome (MFS). Also called: MARFAN SYNDROME, TYPE I; Marfan syndrome type 1; Marfan's syndrome; Marfan syndrome, classic; FBN1-Related Marfan Syndrome. Identifiers: Orphanet 284963, Orphanet 558, MedGen C0024796, MONDO:0007947, OMIM 154700.

Submission:

Centro de Genética y Biología Molecular, Universidad de San Martín de Porres
Classification: Uncertain significance for Marfan syndrome. Last evaluated: 2025-01-20. Review status: criteria provided, single submitter. Criteria: ACMG Guidelines, 2015. Collection method: research. Allele origin: unknown. Inheritance: Autosomal dominant inheritance. Affected: yes.
Comment: This variant consists of a nucleotide change in a coding region, that changes a Glu (glutamic acid)residue to a Glycine in the COL11A1 gene. It does not appear in ClinVar. Aminoacids involved have different chemical properties (polar vs non polar). Conservation on the region is fairly high and changes can be destabilising. It has a very low frequency in population databases

NM_001854.4(COL11A1):c.446A>G (p.Glu149Gly)

Gene: COL11A1 (collagen type XI alpha 1 chain; minus strand). Cytogenetic location: 1p21.1.
Variant type: single nucleotide variant.
Coding change: c.446A>G on transcript NM_001854.4 (MANE Select); coding-DNA position 446, A replaced by G.
Protein change: p.Glu149Gly; replaces glutamic acid 149 with glycine.
Molecular consequence: missense variant. On other transcripts: non-coding transcript variant (1).
Genome position (GRCh38, 1-based): chr1:103,078,700, T>C on the plus strand (A>G on the coding strand, the complement: COL11A1 is on the minus strand). VCF-style: chr1-103078700-T-C. GRCh37 (hg19) VCF-style: chr1-103544256-T-C.
Other names: c.446A>G, p.Glu149Gly (NM_001190709.2, NM_080629.3, NM_080630.4); short protein forms E149G.
Identifiers: ClinVar variation 4277388 (VCV004277388.1).